The following is an entry in ClinVar:

NM_024675.4(PALB2):c.2983G>A (p.Ala995Thr)

Gene: PALB2 (partner and localizer of BRCA2; minus strand). Cytogenetic location: 16p12.2.
Variant type: single nucleotide variant.
Coding change: c.2983G>A on transcript NM_024675.4 (MANE Select); coding-DNA position 2983, G replaced by A.
Protein change: p.Ala995Thr; replaces alanine 995 with threonine.
Molecular consequence: missense variant.
Genome position (GRCh38, 1-based): chr16:23,622,982, C>T on the plus strand (G>A on the coding strand, the complement: PALB2 is on the minus strand). VCF-style: chr16-23622982-C-T. GRCh37 (hg19) VCF-style: chr16-23634303-C-T.
Other names: short protein forms A995T.
Identifiers: ClinVar variation 1524653 (VCV001524653.7), dbSNP rs2142334456, ClinGen allele CA395143901.
Genomic context (GRCh38, chr16:23,622,982, plus strand): 5'-AATCATTCTTCATCTAATAGTTAAAAATCAATCAATGCTTTTCTTACCCTCCATCTTCTG[C>T]AAACGTCATGACTTCTACTTGTTGATCAGAAAGGGTCCCACTGCTACTAACTAGCCTCCT-3'
Protein context (NP_078951.2, residues 985-1005): SDQQVEVMTF[Ala995Thr]EDGGGKENQF

ClinVar aggregate classification (germline): Uncertain significance (1 of 4 stars; one submission).

Conditions:
Familial cancer of breast. Also called: BREAST CANCER, FAMILIAL; hereditary breast carcinoma; Hereditary breast cancer. Identifiers: Orphanet 227535, MedGen C0346153, MONDO:0016419, OMIM 114480. Disease mechanism: loss of function.

gnomAD v4.1: 1 of 1,614,150 alleles (0.000062%); no homozygotes.

Submission:

Labcorp Genetics (formerly Invitae), Labcorp
Classification: Uncertain significance for Familial cancer of breast. Last evaluated: 2021-10-21. Review status: criteria provided, single submitter. Criteria: Invitae Variant Classification Sherloc (09022015). Collection method: clinical testing. Allele origin: germline.
Comment: This sequence change replaces alanine with threonine at codon 995 of the PALB2 protein (p.Ala995Thr). The alanine residue is moderately conserved and there is a small physicochemical difference between alanine and threonine. This variant is not present in population databases (ExAC no frequency). This variant has not been reported in the literature in individuals affected with PALB2-related conditions. Algorithms developed to predict the effect of missense changes on protein structure and function (SIFT, PolyPhen-2, Align-GVGD) all suggest that this variant is likely to be tolerated. In summary, the available evidence is currently insufficient to determine the role of this variant in disease. Therefore, it has been classified as a Variant of Uncertain Significance.